The following is an entry in ClinVar:

NM_005068.3(SIM1):c.1833G>T (p.Gln611His)

Gene: SIM1 (SIM bHLH transcription factor 1; minus strand). Cytogenetic location: 6q16.3.
Variant type: single nucleotide variant.
Coding change: c.1833G>T on transcript NM_005068.3 (MANE Select); coding-DNA position 1833, G replaced by T.
Protein change: p.Gln611His; replaces glutamine 611 with histidine.
Molecular consequence: missense variant.
Genome position (GRCh38, 1-based): chr6:100,390,829, C>A on the plus strand (G>T on the coding strand, the complement: SIM1 is on the minus strand). VCF-style: chr6-100390829-C-A. GRCh37 (hg19) VCF-style: chr6-100838705-C-A.
Other names: c.1833G>T, p.Gln611His (NM_001374769.1); short protein forms Q611H.
Identifiers: ClinVar variation 4982834 (VCV004982834.1).

ClinVar aggregate classification (germline): Uncertain significance (1 of 4 stars; one submission).

Conditions:
SIM1-related disorder. Also called: SIM1-related disorders; SIM1-related condition.

gnomAD v4.1: 1 of 1,614,170 alleles (0.000062%); highest among the groups gnomAD compares: Non-Finnish European, 0.000085%; no homozygotes.

Submission:

PreventionGenetics, part of Exact Sciences
Classification: Uncertain significance for SIM1-related condition. Last evaluated: 2026-01-14. Review status: criteria provided, single submitter. Criteria: ACMG Guidelines, 2015. Collection method: clinical testing. Allele origin: germline.
Comment: The SIM1 c.1833G>T variant is predicted to result in the amino acid substitution p.Gln611His. To our knowledge, this variant has not been reported in the literature or in a large population database (gnomAD), indicating this variant is rare. At this time, the clinical significance of this variant is uncertain due to the absence of conclusive functional and genetic evidence.